The following is an entry in ClinVar:

ClinVar aggregate classification (germline): Pathogenic. Review status: reviewed by expert panel (3 of 4 stars). 6 submissions from 6 submitters: Pathogenic (1). 5 of the submissions do not count toward it. Last evaluated 2016-09-08.

Conditions:
BRCA2-related cancer predisposition. Identifiers: MedGen CN377758, MONDO:0700269.
Hereditary cancer-predisposing syndrome. Also called: Neoplastic Syndromes, Hereditary; Hereditary neoplastic syndrome; Hereditary Cancer Syndrome; Tumor predisposition. Identifiers: Orphanet 140162, MedGen C0027672, MeSH D009386, MONDO:0015356.
Hereditary breast ovarian cancer syndrome. Also called: BRCA1- and BRCA2-Associated Hereditary Breast and Ovarian Cancer; Hereditary breast and ovarian cancer syndrome (HBOC); Hereditary breast and ovarian cancer syndrome; Hereditary breast and/or ovarian cancer syndrome; Breast and ovarian cancer; Hereditary breast and ovarian cancer. Identifiers: Orphanet 145, MedGen C0677776, MeSH D061325, MONDO:0003582. Disease mechanism: loss of function.
Breast-ovarian cancer, familial, susceptibility to, 2 (BROVCA2). Also called: BRCA2 Hereditary Breast and Ovarian Cancer. Identifiers: Orphanet 145, MedGen C2675520, MONDO:0012933, OMIM 612555. Disease mechanism: loss of function.

Submissions (6):

Evidence-based Network for the Interpretation of Germline Mutant Alleles (ENIGMA)
Classification: Pathogenic for Breast-ovarian cancer, familial, susceptibility to, 2. Last evaluated: 2016-09-08. Review status: reviewed by expert panel. Criteria: ENIGMA BRCA1/2 Classification Criteria (2015). Collection method: curation. Allele origin: germline.
Comment: Variant allele predicted to encode a truncated non-functional protein.

Ambry Genetics
Classification: Pathogenic for Hereditary cancer-predisposing syndrome. Last evaluated: 2026-06-17. Review status: criteria provided, single submitter. Criteria: Ambry Variant Classification Scheme 2023. Collection method: clinical testing. Allele origin: germline. Not counted in ClinVar's aggregate classification.
Comment: The c.5215delT pathogenic mutation, located in coding exon 10 of the BRCA2 gene, results from a deletion of one nucleotide at nucleotide position 5215, causing a translational frameshift with a predicted alternate stop codon (p.Y1739Ifs*2). This variant is considered to be rare based on population cohorts in the Genome Aggregation Database (gnomAD). This alteration is expected to result in loss of function by premature protein truncation or nonsense-mediated mRNA decay. As such, this alteration is interpreted as a disease-causing mutation.

All of Us Research Program, National Institutes of Health
Classification: Pathogenic for BRCA2-related cancer predisposition. Last evaluated: 2024-09-09. Review status: criteria provided, single submitter. Criteria: ACMG Guidelines, 2015. Collection method: clinical testing. Allele origin: germline. Inheritance: Autosomal dominant inheritance. Observed: 2 variant alleles, 2 heterozygotes. Not counted in ClinVar's aggregate classification.
Comment: The c.5215del (p.Tyr1739Ilefs*2) variant in the BRCA2 gene is located on the exon 11 and is predicted to result in shift of reading frame that introduces a premature translation termination codon (p.Tyr1739Ilefs*2), leading to an absent or disrupted protein product. Loss-of-function variants of BRCA2 are known to be pathogenic (PMID: 29446198, 11897832, 8988179). This variant is reported in ClinVar as pathogenic (ID: 91839). The variant is absent in the general population according to gnomAD. Therefore, the c.5215del (p.Tyr1739Ilefs*2) variant of BRCA2 has been classified as pathogenic.

This study involves interpretation of variants in research participants for the purpose of population health screening. Participant phenotype was not available at the time of variant classification. Additional details can be found in publication PMID: 35346344, PMCID: PMC8962531

Labcorp Genetics (formerly Invitae), Labcorp
Classification: Pathogenic for Hereditary breast ovarian cancer syndrome. Last evaluated: 2024-05-02. Review status: criteria provided, single submitter. Criteria: Invitae Variant Classification Sherloc (09022015). Collection method: clinical testing. Allele origin: germline. Not counted in ClinVar's aggregate classification.
Comment: This sequence change creates a premature translational stop signal (p.Tyr1739Ilefs*2) in the BRCA2 gene. It is expected to result in an absent or disrupted protein product. Loss-of-function variants in BRCA2 are known to be pathogenic (PMID: 20104584). This variant is not present in population databases (gnomAD no frequency). This variant has not been reported in the literature in individuals affected with BRCA2-related conditions. ClinVar contains an entry for this variant (Variation ID: 91839). For these reasons, this variant has been classified as Pathogenic.

Revvity Omics, Revvity
Classification: Likely pathogenic. Last evaluated: 2022-08-19. Review status: criteria provided, single submitter. Criteria: ACMG Guidelines, 2015. Collection method: clinical testing. Allele origin: germline. Not counted in ClinVar's aggregate classification.

Sharing Clinical Reports Project (SCRP)
Classification: Pathogenic for Breast-ovarian cancer, familial 2. Last evaluated: 2010-11-03. Review status: no assertion criteria provided. Collection method: clinical testing. Allele origin: germline. Not counted in ClinVar's aggregate classification.

Literature cited by the submitters: PubMed 8988179 (cited by All of Us Research Program, National Institutes of Health); PubMed 11897832 (cited by All of Us Research Program, National Institutes of Health); PubMed 29446198 (cited by All of Us Research Program, National Institutes of Health); PubMed 20104584 (cited by Labcorp Genetics (formerly Invitae), Labcorp).

NM_000059.4(BRCA2):c.5215del (p.Tyr1739fs)

Gene: BRCA2 (BRCA2 DNA repair associated; plus strand). Cytogenetic location: 13q13.1.
Variant type: Deletion.
Coding change: c.5215del on transcript NM_000059.4 (MANE Select); coding-DNA position 5215, one base deleted (T; older notation c.5215delT).
Protein change: p.Tyr1739fs; shifts the reading frame from tyrosine 1739.
Molecular consequence: frameshift variant.
Genome position (GRCh38, 1-based): chr13:32,339,570, T deleted; the last of 2 consecutive T bases (chr13:32,339,569-32,339,570); deleting either gives the same sequence. VCF-style (leftmost placement, unchanged base first): chr13-32339568-CT-C. GRCh37 (hg19) VCF-style: chr13-32913705-CT-C.
Other names: 5443delT; c.5215delT (NM_000059.3); c.5215del (NM_000059.3); short protein forms Y1739fs.
Identifiers: ClinVar variation 91839 (VCV000091839.11), dbSNP rs398122796, ClinGen allele CA021718.